The following is an entry in ClinVar:

NM_000540.3(RYR1):c.1411C>A (p.Arg471Ser)

Gene: RYR1 (ryanodine receptor 1; plus strand). Cytogenetic location: 19q13.2.
Variant type: single nucleotide variant.
Coding change: c.1411C>A on transcript NM_000540.3 (MANE Select); coding-DNA position 1411, C replaced by A.
Protein change: p.Arg471Ser; replaces arginine 471 with serine.
Molecular consequence: missense variant.
Genome position (GRCh38, 1-based): chr19:38,452,985, C>A. VCF-style: chr19-38452985-C-A. GRCh37 (hg19) VCF-style: chr19-38943625-C-A.
Other names: c.1411C>A, p.Arg471Ser (NM_001042723.2); short protein forms R471S.
Identifiers: ClinVar variation 3368903 (VCV003368903.3).
Genomic context (GRCh38, chr19:38,452,985, plus strand): 5'-TTCGAGCCTCCCTCCGAGGACTTGCAGCACGAGGAGAAGCAGAGCAAGCTGCGAAGCCTG[C>A]GCAACCGCCAGAGCCTCTTCCAGGAGGAGGTGAGGACGTGGCGAGGGCGGAGCGGGGCCT-3'
Protein context (NP_000531.2, residues 461-481): EEKQSKLRSL[Arg471Ser]NRQSLFQEEG

ClinVar aggregate classification (germline): Uncertain significance. Review status: criteria provided, multiple submitters, no conflicts (2 of 4 stars). 3 submissions from 3 submitters: Uncertain significance (3). Last evaluated 2025-09-08.

Conditions:
Malignant hyperthermia, susceptibility to, 1 (MHS1). Also called: Malignant hyperthermia suceptibility 1; RYR1-Related Malignant Hyperthermia Susceptibility; Anesthesia related hyperthermia; Malignant hyperpyrexia; Fulminating hyperpyrexia; Pharmacogenic myopathy. Identifiers: Orphanet 423, MedGen C2930980, MONDO:0007783, OMIM 145600.

gnomAD v4.1: 5 of 1,613,840 alleles (0.00031%); highest among the groups gnomAD compares: Non-Finnish European, 0.00042%; no homozygotes.

Submissions (3):

Color Diagnostics, LLC DBA Color Health
Classification: Uncertain significance for Malignant hyperthermia, susceptibility to, 1. Last evaluated: 2025-09-08. Review status: criteria provided, single submitter. Criteria: ACMG Guidelines, 2015. Collection method: clinical testing. Allele origin: germline.
Comment: This missense variant replaces arginine with serine at codon 471 of the RYR1 protein. Computational prediction is inconclusive regarding the impact of this variant on protein structure and function. To our knowledge, functional studies have not been reported for this variant. This variant has not been reported in individuals affected with RYR1-related disorders in the literature. This variant has been identified in 1/248190 chromosomes in the general population by the Genome Aggregation Database (gnomAD). The available evidence is insufficient to determine the role of this variant in disease conclusively. Therefore, this variant is classified as a Variant of Uncertain Significance.

All of Us Research Program, National Institutes of Health
Classification: Uncertain significance for Malignant hyperthermia, susceptibility to, 1. Last evaluated: 2024-08-06. Review status: criteria provided, single submitter. Criteria: ACMG Guidelines, 2015. Collection method: clinical testing. Allele origin: germline. Inheritance: Autosomal dominant inheritance. Observed: 1 variant allele, 1 heterozygote.
Comment: This study involves interpretation of variants in research participants for the purpose of population health screening. Participant phenotype was not available at the time of variant classification. Additional details can be found in publication PMID: 35346344, PMCID: PMC8962531

GeneDx
Classification: Uncertain significance. Last evaluated: 2024-02-08. Review status: criteria provided, single submitter. Criteria: GeneDx Variant Classification Process June 2021. Collection method: clinical testing. Allele origin: germline. Affected: yes.
Comment: Not observed at significant frequency in large population cohorts (gnomAD); In silico analysis supports that this missense variant has a deleterious effect on protein structure/function; Has not been previously published as pathogenic or benign to our knowledge; This variant is associated with the following publications: (PMID: 33767344)